The following is an entry in ClinVar:

NM_004370.6(COL12A1):c.4952C>A (p.Thr1651Asn)

Gene: COL12A1 (collagen type XII alpha 1 chain; minus strand). Cytogenetic location: 6q13.
Variant type: single nucleotide variant.
Coding change: c.4952C>A on transcript NM_004370.6 (MANE Select); coding-DNA position 4952, C replaced by A.
Protein change: p.Thr1651Asn; replaces threonine 1651 with asparagine.
Molecular consequence: missense variant.
Genome position (GRCh38, 1-based): chr6:75,142,037, G>T on the plus strand (C>A on the coding strand, the complement: COL12A1 is on the minus strand). VCF-style: chr6-75142037-G-T. GRCh37 (hg19) VCF-style: chr6-75851753-G-T.
Other names: c.4952C>A, p.Thr1651Asn (NM_001424113.1, NM_001424114.1); c.4679C>A, p.Thr1560Asn (NM_001424115.1); c.1460C>A, p.Thr487Asn (NM_001424116.1, NM_080645.3); short protein forms T1651N, T1560N, T487N.
Identifiers: ClinVar variation 4795026 (VCV004795026.1).

ClinVar aggregate classification (germline): Uncertain significance (1 of 4 stars; one submission).

Conditions:
Ullrich congenital muscular dystrophy 2 (UCMD2). Identifiers: Orphanet 75840, MedGen C4225314, MONDO:0014654, OMIM 616470.
Bethlem myopathy 2 (BTHLM2). Identifiers: Orphanet 536516, Orphanet 610, MedGen C4225313, MONDO:0034022, OMIM 616471.

Submission:

Labcorp Genetics (formerly Invitae), Labcorp
Classification: Uncertain significance for Bethlem myopathy 2; Ullrich congenital muscular dystrophy 2. Last evaluated: 2025-07-30. Review status: criteria provided, single submitter. Criteria: Invitae Variant Classification Sherloc (09022015). Collection method: clinical testing. Allele origin: germline.
Comment: This sequence change replaces threonine, which is neutral and polar, with asparagine, which is neutral and polar, at codon 1651 of the COL12A1 protein (p.Thr1651Asn). This variant is not present in population databases (gnomAD no frequency). This variant has not been reported in the literature in individuals affected with COL12A1-related conditions. Invitae Evidence Modeling of protein sequence and biophysical properties (such as structural, functional, and spatial information, amino acid conservation, physicochemical variation, residue mobility, and thermodynamic stability) indicates that this missense variant is not expected to disrupt COL12A1 protein function with a negative predictive value of 80%. In summary, the available evidence is currently insufficient to determine the role of this variant in disease. Therefore, it has been classified as a Variant of Uncertain Significance.